The following is an entry in ClinVar:

NM_012448.4(STAT5B):c.1072G>A (p.Gly358Arg)

Gene: STAT5B (signal transducer and activator of transcription 5B; minus strand). Cytogenetic location: 17q21.2.
Variant type: single nucleotide variant.
Coding change: c.1072G>A on transcript NM_012448.4 (MANE Select); coding-DNA position 1072, G replaced by A.
Protein change: p.Gly358Arg; replaces glycine 358 with arginine.
Molecular consequence: missense variant.
Genome position (GRCh38, 1-based): chr17:42,218,248, C>T on the plus strand (G>A on the coding strand, the complement: STAT5B is on the minus strand). VCF-style: chr17-42218248-C-T. GRCh37 (hg19) VCF-style: chr17-40370266-C-T.
Other names: short protein forms G358R.
Identifiers: ClinVar variation 1522546 (VCV001522546.8), dbSNP rs745315653, ClinGen allele CA8574127.

ClinVar aggregate classification (germline): Uncertain significance (1 of 4 stars; one submission).

Conditions:
Growth hormone insensitivity with immune dysregulation 1, autosomal recessive. Also called: GROWTH HORMONE INSENSITIVITY DUE TO POSTRECEPTOR DEFECT; LARON SYNDROME DUE TO POSTRECEPTOR DEFECT; Laron syndrome with immunodeficiency; GROWTH HORMONE INSENSITIVITY SYNDROME WITH IMMUNE DYSREGULATION 1, AUTOSOMAL RECESSIVE. Identifiers: Orphanet 220465, MedGen C5435698, MONDO:0100211, OMIM 245590.

Allele frequency attached by ClinVar (database versions not stated): TOPMed below 0.00001; ExAC 0.00001; gnomAD exomes 0.00001.
gnomAD v4.1: 6 of 1,614,166 alleles (0.00037%); highest among the groups gnomAD compares: South Asian, 0.0011%; no homozygotes.

Submission:

Labcorp Genetics (formerly Invitae), Labcorp
Classification: Uncertain significance for Growth hormone insensitivity with immune dysregulation 1, autosomal recessive. Last evaluated: 2021-04-02. Review status: criteria provided, single submitter. Criteria: Invitae Variant Classification Sherloc (09022015). Collection method: clinical testing. Allele origin: germline.
Comment: This sequence change replaces glycine with arginine at codon 358 of the STAT5B protein (p.Gly358Arg). The glycine residue is highly conserved and there is a moderate physicochemical difference between glycine and arginine. This variant is present in population databases (rs745315653, ExAC 0.001%). In summary, the available evidence is currently insufficient to determine the role of this variant in disease. Therefore, it has been classified as a Variant of Uncertain Significance. Algorithms developed to predict the effect of sequence changes on RNA splicing suggest that this variant may create or strengthen a splice site, but this prediction has not been confirmed by published transcriptional studies. Algorithms developed to predict the effect of missense changes on protein structure and function are either unavailable or do not agree on the potential impact of this missense change (SIFT: "Deleterious"; PolyPhen-2: "Benign"; Align-GVGD: "Class C25"). This variant has not been reported in the literature in individuals with STAT5B-related conditions.